The following is an entry in ClinVar:

NC_012920.1(MT-CO3):m.9525G>A

Gene: MT-CO3 (mitochondrially encoded cytochrome c oxidase III; plus strand).
Variant type: single nucleotide variant.
Genome position: chrM-9525-G-A.
Identifiers: ClinVar variation 693179 (VCV000693179.1), dbSNP rs878977410, ClinGen allele CA337098429.

ClinVar aggregate classification (germline): Likely benign (1 of 4 stars; one submission).

Conditions:
Leigh syndrome (NULS). Also called: Leigh's necrotizing encephalopathy; Leigh's disease; Leigh Syndrome (mtDNA deletion); Leigh Disease; Subacute necrotizing encephalopathy; Necrotizing encephalopathy infantile subacute of Leigh. Identifiers: Orphanet 506, MedGen C2931891, MONDO:0009723, OMIM 256000.

Submission:

Wong Mito Lab, Molecular and Human Genetics, Baylor College of Medicine
Classification: Likely benign for Leigh syndrome. Last evaluated: 2019-10-17. Review status: criteria provided, single submitter. Criteria: Modified ACMG Guidelines (Unpublished). Collection method: clinical testing. Allele origin: germline.
Comment: The NC_012920.1:m.9525G>A (YP_003024032.1:p.Ala107Thr) variant in MTCO3 gene is interpretated to be a Likely Benign variant based on the modified ACMG guidelines (unpublished). This variant meets the following evidence codes: BS1, BP6